The following is an entry in ClinVar:

NM_017852.5(NLRP2):c.11C>T (p.Ser4Leu)

Gene: NLRP2 (NLR family pyrin domain containing 2; plus strand). Cytogenetic location: 19q13.42.
Variant type: single nucleotide variant.
Coding change: c.11C>T on transcript NM_017852.5 (MANE Select); coding-DNA position 11, C replaced by T.
Protein change: p.Ser4Leu; replaces serine 4 with leucine.
Molecular consequence: missense variant. On other transcripts: non-coding transcript variant (1).
Genome position (GRCh38, 1-based): chr19:54,970,026, C>T. VCF-style: chr19-54970026-C-T. GRCh37 (hg19) VCF-style: chr19-55481394-C-T.
Other names: c.11C>T, p.Ser4Leu (NM_001174081.3, NM_001174082.3, NM_001174083.2 and 1 more transcripts); c.11C>T (NM_001174081.2); short protein forms S4L.
Identifiers: ClinVar variation 778857 (VCV000778857.7), dbSNP rs142463014, ClinGen allele CA310058806.

ClinVar aggregate classification (germline): Benign. Review status: criteria provided, multiple submitters, no conflicts (2 of 4 stars). 3 submissions from 3 submitters: Benign (2). 1 of the submissions does not count toward it. Last evaluated 2019-12-31.

Conditions:
NLRP2-related disorder. Also called: NLRP2-related condition.

Allele frequency attached by ClinVar (database versions not stated): gnomAD 0.00674; ESP Exome Variant Server 0.00692; 1000 Genomes Project 30x 0.00859; ExAC 0.00923; 1000 Genomes Project 0.00938.
gnomAD v4.1: 15,179 of 1,613,550 alleles (0.94%); highest among the groups gnomAD compares: South Asian, 2.1%; 109 homozygotes.

Submissions (3):

Labcorp Genetics (formerly Invitae), Labcorp
Classification: Benign. Last evaluated: 2019-12-31. Review status: criteria provided, single submitter. Criteria: Invitae Variant Classification Sherloc (09022015). Collection method: clinical testing. Allele origin: germline.

Breakthrough Genomics
Classification: Benign. Review status: criteria provided, single submitter. Criteria: ACMG Guidelines, 2015. Collection method: not provided. Allele origin: germline. Inheritance: Unknown mechanism. Affected: yes.

PreventionGenetics, part of Exact Sciences
Classification: Benign for NLRP2-related condition. Last evaluated: 2019-02-19. Review status: no assertion criteria provided. Collection method: clinical testing. Allele origin: germline. Not counted in ClinVar's aggregate classification.
Comment: This variant is classified as benign based on ACMG/AMP sequence variant interpretation guidelines (Richards et al. 2015 PMID: 25741868, with internal and published modifications).